The following is an entry in ClinVar:

ClinVar aggregate classification (germline): Uncertain significance (1 of 4 stars; one submission).

Allele frequency attached by ClinVar (database versions not stated): TOPMed 0.00001.

Submission:

GeneDx
Classification: Uncertain significance. Last evaluated: 2022-12-27. Review status: criteria provided, single submitter. Criteria: GeneDx Variant Classification Process June 2021. Collection method: clinical testing. Allele origin: germline. Affected: yes.
Comment: Not observed at significant frequency in large population cohorts (gnomAD); In silico analysis supports that this missense variant has a deleterious effect on protein structure/function; Has not been previously published as pathogenic or benign to our knowledge

NM_001378609.3(OTOGL):c.2624T>A (p.Met875Lys)

Gene: OTOGL (otogelin like; plus strand). Cytogenetic location: 12q21.31.
Variant type: single nucleotide variant.
Coding change: c.2624T>A on transcript NM_001378609.3 (MANE Select); coding-DNA position 2624, T replaced by A.
Protein change: p.Met875Lys; replaces methionine 875 with lysine.
Molecular consequence: missense variant.
Genome position (GRCh38, 1-based): chr12:80,271,753, T>A. VCF-style: chr12-80271753-T-A. GRCh37 (hg19) VCF-style: chr12-80665533-T-A.
Other names: c.2624T>A, p.Met875Lys (NM_001368062.3, NM_001378610.3, NM_173591.7); short protein forms M875K.
Identifiers: ClinVar variation 2507099 (VCV002507099.1), dbSNP rs1883427024, ClinGen allele CA385857720.